The following is an entry in ClinVar:

ClinVar aggregate classification (germline): Uncertain significance (1 of 4 stars; one submission).

Conditions:
Cardiovascular phenotype. Identifiers: MedGen CN230736.

Submission:

Ambry Genetics
Classification: Uncertain significance for Cardiovascular phenotype. Last evaluated: 2025-12-11. Review status: criteria provided, single submitter. Criteria: Ambry Variant Classification Scheme 2023. Collection method: clinical testing. Allele origin: germline.
Comment: The p.G1906A variant (also known as c.5717G>C), located in coding exon 41 of the ABCA1 gene, results from a G to C substitution at nucleotide position 5717. The glycine at codon 1906 is replaced by alanine, an amino acid with similar properties. This amino acid position is conserved. In addition, this alteration is predicted to be tolerated by in silico analysis. Based on the available evidence, the clinical significance of this variant remains unclear.

NM_005502.4(ABCA1):c.5717G>C (p.Gly1906Ala)

Gene: ABCA1 (ATP binding cassette subfamily A member 1; minus strand). Cytogenetic location: 9q31.1.
Variant type: single nucleotide variant.
Coding change: c.5717G>C on transcript NM_005502.4 (MANE Select); coding-DNA position 5717, G replaced by C.
Protein change: p.Gly1906Ala; replaces glycine 1906 with alanine.
Molecular consequence: missense variant.
Genome position (GRCh38, 1-based): chr9:104,792,826, C>G on the plus strand (G>C on the coding strand, the complement: ABCA1 is on the minus strand). VCF-style: chr9-104792826-C-G. GRCh37 (hg19) VCF-style: chr9-107555107-C-G.
Other names: short protein forms G1906A.
Identifiers: ClinVar variation 4613297 (VCV004613297.1).